The following is an entry in ClinVar:

ClinVar aggregate classification (germline): Likely benign (1 of 4 stars; one submission).

gnomAD v4.1: 11 of 1,577,080 alleles (0.0007%); highest among the groups gnomAD compares: East Asian, 0.014%; no homozygotes.

Submission:

CeGaT Center for Human Genetics Tuebingen
Classification: Likely benign. Last evaluated: 2026-02-01. Review status: criteria provided, single submitter. Criteria: CeGaT Center For Human Genetics Tuebingen Variant Classification Criteria Version 2. Collection method: clinical testing. Allele origin: germline. Affected: yes. Observed: 1 variant allele.
Comment: GABRA5: BP4, BP7

NM_000810.4(GABRA5):c.954C>T (p.Thr318=)

Gene: GABRA5 (gamma-aminobutyric acid type A receptor subunit alpha5; plus strand). Cytogenetic location: 15q12.
Variant type: single nucleotide variant.
Coding change: c.954C>T on transcript NM_000810.4 (MANE Select); coding-DNA position 954, C replaced by T.
Protein change: p.Thr318=; no amino-acid change (threonine 318 retained).
Molecular consequence: synonymous variant.
Genome position (GRCh38, 1-based): chr15:26,943,291, C>T. VCF-style: chr15-26943291-C-T. GRCh37 (hg19) VCF-style: chr15-27188438-C-T.
Other names: c.954C>T, p.Thr318= (NM_001165037.2).
Identifiers: ClinVar variation 4822333 (VCV004822333.4).